The following is an entry in ClinVar:

NM_000419.5(ITGA2B):c.560T>C (p.Val187Ala)

Gene: ITGA2B (integrin subunit alpha 2b; minus strand). Cytogenetic location: 17q21.31.
Variant type: single nucleotide variant.
Coding change: c.560T>C on transcript NM_000419.5 (MANE Select); coding-DNA position 560, T replaced by C.
Protein change: p.Val187Ala; replaces valine 187 with alanine.
Molecular consequence: missense variant.
Genome position (GRCh38, 1-based): chr17:44,385,565, A>G on the plus strand (T>C on the coding strand, the complement: ITGA2B is on the minus strand). VCF-style: chr17-44385565-A-G. GRCh37 (hg19) VCF-style: chr17-42462933-A-G.
Other names: NM_000419.5(ITGA2B):c.560T>C; p.Val187Ala; short protein forms V187A.
Identifiers: ClinVar variation 891157 (VCV000891157.6), dbSNP rs2048639767, ClinGen allele CA399805725.

ClinVar aggregate classification (germline): Uncertain significance. Review status: reviewed by expert panel (3 of 4 stars). 2 submissions from 2 submitters: Uncertain significance (1). 1 of the submissions does not count toward it. Last evaluated 2025-05-01.

Conditions:
Glanzmann thrombasthenia. Also called: BLEEDING DISORDER, PLATELET-TYPE, 2; THROMBASTHENIA OF GLANZMANN AND NAEGELI; PLATELET GLYCOPROTEIN IIb-IIIa DEFICIENCY; Thrombasthenia; Glanzmann's thrombasthenia. Identifiers: Orphanet 849, MedGen C0040015, MONDO:0100326.

Allele frequency attached by ClinVar (database versions not stated): gnomAD exomes below 0.00001; TOPMed below 0.00001.

Submissions (2):

ClinGen Platelet Disorders Variant Curation Expert Panel, ClinGen
Classification: Uncertain significance for Glanzmann thrombasthenia. Last evaluated: 2025-05-01. Review status: reviewed by expert panel. Criteria: ClinGen Platelet ACMG Specifications v2-1. Collection method: curation. Allele origin: germline. Inheritance: Autosomal recessive inheritance.
Comment: The NM_000419.5(ITGA2B):c.560T>C variant in ITGA2B is a missense variant predicted to cause substitution of Valine by Alanine at amino acid 187. This variant was observed as part of a predisposition screen in an ostensibly healthy population by Illumina. This variant is absent from gnomAD v4.1 (PM2_Supporting). In summary, this variant meets the criteria to be classified as Uncertain significance - insufficient evidence for autosomal recessive inheritance of Glanzmann thrombasthenia based on the ACMG/AMP criteria applied, as specified by the ClinGen PD VCEP: PM2_Supporting (VCEP specifications version 2.1).

Illumina Laboratory Services, Illumina
Classification: Uncertain significance for Glanzmann thrombasthenia 1. Last evaluated: 2017-04-27. Review status: criteria provided, single submitter. Criteria: ICSL Variant Classification Criteria 13 December 2019. Collection method: clinical testing. Allele origin: germline. Not counted in ClinVar's aggregate classification.